The following is an entry in ClinVar:

ClinVar aggregate classification (germline): Pathogenic/Likely pathogenic. Review status: criteria provided, multiple submitters, no conflicts (2 of 4 stars). 3 submissions from 3 submitters: Pathogenic (2); Likely pathogenic (1). Last evaluated 2025-05-22.

Conditions:
Hereditary cancer-predisposing syndrome. Also called: Hereditary neoplastic syndrome; Neoplastic Syndromes, Hereditary; Tumor predisposition; Hereditary Cancer Syndrome. Identifiers: Orphanet 140162, MedGen C0027672, MeSH D009386, MONDO:0015356.
Haddad syndrome (OHD). Also called: Ondine-Hirschsprung disease. Identifiers: Orphanet 99803, MedGen C1859049, MONDO:0020493.

Submissions (3):

GeneDx
Classification: Likely pathogenic. Last evaluated: 2025-05-22. Review status: criteria provided, single submitter. Criteria: GeneDx Variant Classification Process June 2021. Collection method: clinical testing. Allele origin: germline. Affected: yes.
Comment: Nonsense variant predicted to result in protein truncation or nonsense mediated decay in a gene for which loss of function is a known mechanism of disease; Not observed at significant frequency in large population cohorts (gnomAD); Has not been previously published as pathogenic or benign to our knowledge

Ambry Genetics
Classification: Pathogenic for Hereditary cancer-predisposing syndrome. Last evaluated: 2023-08-25. Review status: criteria provided, single submitter. Criteria: Ambry Variant Classification Scheme 2023. Collection method: clinical testing. Allele origin: germline.
Comment: The p.Y83* pathogenic mutation (also known as c.249C>A), located in coding exon 2 of the PHOX2B gene, results from a C to A substitution at nucleotide position 249. This changes the amino acid from a tyrosine to a stop codon within coding exon 2. This variant is considered to be rare based on population cohorts in the Genome Aggregation Database (gnomAD). This alteration is expected to result in loss of function by premature protein truncation or nonsense-mediated mRNA decay. As such, this alteration is interpreted as a disease-causing mutation.

Labcorp Genetics (formerly Invitae), Labcorp
Classification: Pathogenic for Haddad syndrome. Last evaluated: 2022-05-10. Review status: criteria provided, single submitter. Criteria: Invitae Variant Classification Sherloc (09022015). Collection method: clinical testing. Allele origin: germline.
Comment: For these reasons, this variant has been classified as Pathogenic. This variant has not been reported in the literature in individuals affected with PHOX2B-related conditions. This variant is not present in population databases (gnomAD no frequency). This sequence change creates a premature translational stop signal (p.Tyr83*) in the PHOX2B gene. It is expected to result in an absent or disrupted protein product. Loss-of-function variants in PHOX2B are known to be pathogenic (PMID: 25156769).

Literature cited by the submitters: PubMed 25156769 (cited by Labcorp Genetics (formerly Invitae), Labcorp).

NM_003924.4(PHOX2B):c.249C>A (p.Tyr83Ter)

Gene: PHOX2B (paired like homeobox 2B; minus strand). Cytogenetic location: 4p13.
Variant type: single nucleotide variant.
Coding change: c.249C>A on transcript NM_003924.4 (MANE Select); coding-DNA position 249, C replaced by A.
Protein change: p.Tyr83Ter; replaces tyrosine 83 with a stop codon.
Molecular consequence: nonsense.
Genome position (GRCh38, 1-based): chr4:41,747,529, G>T on the plus strand (C>A on the coding strand, the complement: PHOX2B is on the minus strand). VCF-style: chr4-41747529-G-T. GRCh37 (hg19) VCF-style: chr4-41749546-G-T.
Other names: short protein forms Y83*.
Identifiers: ClinVar variation 2095188 (VCV002095188.7), dbSNP rs753545181, ClinGen allele CA356740602.